The following is an entry in ClinVar:

ClinVar aggregate classification (germline): Uncertain significance (1 of 4 stars; one submission).

Conditions:
Charcot-Marie-Tooth disease type 4. Also called: Charcot-Marie-Tooth disease, type IV; Charcot-Marie-Tooth, Type 4. Identifiers: Orphanet 64749, MedGen C4082197, MONDO:0018995.

Allele frequency attached by ClinVar (database versions not stated): gnomAD below 0.00001 and 0.00001; gnomAD exomes 0.00001; 1000 Genomes Project 30x 0.00016.
gnomAD v4.1: 16 of 1,555,656 alleles (0.001%); highest among the groups gnomAD compares: South Asian, 0.017%; no homozygotes.

Submission:

Labcorp Genetics (formerly Invitae), Labcorp
Classification: Uncertain significance for Charcot-Marie-Tooth disease type 4. Last evaluated: 2021-08-27. Review status: criteria provided, single submitter. Criteria: Invitae Variant Classification Sherloc (09022015). Collection method: clinical testing. Allele origin: germline.
Comment: This sequence change replaces aspartic acid with tyrosine at codon 23 of the MTMR2 protein (p.Asp23Tyr). The aspartic acid residue is moderately conserved and there is a large physicochemical difference between aspartic acid and tyrosine. The frequency data for this variant in the population databases is considered unreliable, as metrics indicate insufficient coverage at this position in the ExAC database. This variant has not been reported in the literature in individuals affected with MTMR2-related conditions. Algorithms developed to predict the effect of missense changes on protein structure and function are either unavailable or do not agree on the potential impact of this missense change (SIFT: "Deleterious"; PolyPhen-2: "Probably Damaging"; Align-GVGD: "Class C0"). In summary, the available evidence is currently insufficient to determine the role of this variant in disease. Therefore, it has been classified as a Variant of Uncertain Significance.

NM_016156.6(MTMR2):c.67G>T (p.Asp23Tyr)

Gene: MTMR2 (myotubularin related protein 2; minus strand). Cytogenetic location: 11q21.
Variant type: single nucleotide variant.
Coding change: c.67G>T on transcript NM_016156.6 (MANE Select); coding-DNA position 67, G replaced by T.
Protein change: p.Asp23Tyr; replaces aspartic acid 23 with tyrosine.
Molecular consequence: missense variant. On other transcripts: 5 prime UTR variant (3).
Genome position (GRCh38, 1-based): chr11:95,923,888, C>A on the plus strand (G>T on the coding strand, the complement: MTMR2 is on the minus strand). VCF-style: chr11-95923888-C-A. GRCh37 (hg19) VCF-style: chr11-95657052-C-A.
Other names: c.-417G>T (NM_001243571.2); c.-344G>T (NM_201278.3); c.-221G>T (NM_201281.3); short protein forms D23Y.
Identifiers: ClinVar variation 944586 (VCV000944586.7), dbSNP rs1225667280, ClinGen allele CA382416178.
Genomic context (GRCh38, chr11:95,923,888, plus strand): 5'-CTCCATCCCCTTCGGACGCTGGGCGGGGCCCTGGGCGTCCTGGTTACCTGGACAAGGAGT[C>A]CACGCTGGGCGGCCGAGCCGCCGCCGGCTGGGAGCCAAGACTCTCGCAGCTCGAGCTCTT-3'
Protein context (NP_057240.3, residues 13-33): QPAAARPPSV[Asp23Tyr]SLSSASTSHS